The following is an entry in ClinVar:

ClinVar aggregate classification (germline): Uncertain significance. Review status: criteria provided, multiple submitters, no conflicts (2 of 4 stars). 2 submissions from 2 submitters: Uncertain significance (2). Last evaluated 2023-11-29.

Conditions:
Inborn genetic diseases. Identifiers: MedGen C0950123, MeSH D030342.

Allele frequency attached by ClinVar (database versions not stated): gnomAD exomes below 0.00001; ExAC 0.00001; TOPMed 0.00001.
gnomAD v4.1: 6 of 1,613,286 alleles (0.00037%); highest among the groups gnomAD compares: Non-Finnish European, 0.00051%; no homozygotes.

Submissions (2):

Ambry Genetics
Classification: Uncertain significance for Inborn genetic diseases. Last evaluated: 2023-11-29. Review status: criteria provided, single submitter. Criteria: Ambry Variant Classification Scheme 2023. Collection method: clinical testing. Allele origin: germline.

Labcorp Genetics (formerly Invitae), Labcorp
Classification: Uncertain significance. Last evaluated: 2022-08-16. Review status: criteria provided, single submitter. Criteria: Invitae Variant Classification Sherloc (09022015). Collection method: clinical testing. Allele origin: germline.
Comment: This sequence change replaces threonine, which is neutral and polar, with isoleucine, which is neutral and non-polar, at codon 1307 of the SI protein (p.Thr1307Ile). This variant is present in population databases (rs779254184, gnomAD 0.0009%). This variant has not been reported in the literature in individuals affected with SI-related conditions. ClinVar contains an entry for this variant (Variation ID: 1524520). Algorithms developed to predict the effect of missense changes on protein structure and function (SIFT, PolyPhen-2, Align-GVGD) all suggest that this variant is likely to be tolerated. In summary, the available evidence is currently insufficient to determine the role of this variant in disease. Therefore, it has been classified as a Variant of Uncertain Significance.

NM_001041.4(SI):c.3920C>T (p.Thr1307Ile)

Gene: SI (sucrase-isomaltase; minus strand). Cytogenetic location: 3q26.1.
Variant type: single nucleotide variant.
Coding change: c.3920C>T on transcript NM_001041.4 (MANE Select); coding-DNA position 3920, C replaced by T.
Protein change: p.Thr1307Ile; replaces threonine 1307 with isoleucine.
Molecular consequence: missense variant.
Genome position (GRCh38, 1-based): chr3:165,015,202, G>A on the plus strand (C>T on the coding strand, the complement: SI is on the minus strand). VCF-style: chr3-165015202-G-A. GRCh37 (hg19) VCF-style: chr3-164732990-G-A.
Other names: c.3920C>T (NM_001041.3); short protein forms T1307I.
Identifiers: ClinVar variation 1524520 (VCV001524520.6), dbSNP rs779254184, ClinGen allele CA2690096.